The following is an entry in ClinVar:

ClinVar aggregate classification (germline): Uncertain significance. Review status: criteria provided, multiple submitters, no conflicts (2 of 4 stars). 4 submissions from 4 submitters: Uncertain significance (4). Last evaluated 2025-04-09.

Conditions:
Malaria, susceptibility to. Identifiers: Orphanet 673, MedGen C1970028, MONDO:0021024, OMIM 611162.
METHEMOGLOBINEMIA, BETA TYPE. Also called: Methemoglobinemia, beta-globin type. Identifiers: MedGen C1840779, OMIM 617971.
Dominant beta-thalassemia. Also called: Beta-thalassemia, dominant inclusion body type. Identifiers: Orphanet 231226, Orphanet 848, MedGen C1858990, MONDO:0011381, OMIM 603902.
Heinz body anemia. Also called: Heinz body hemolytic anemia. Identifiers: Orphanet 178330, MedGen C0700299, MONDO:0007705, OMIM 140700, HP:0005511.
Hereditary persistence of fetal hemoglobin. Identifiers: MedGen C0019025, MONDO:0020989, OMIM 141749.
Beta-thalassemia HBB/LCRB. Identifiers: MedGen CN322236, MONDO:0013517, OMIM 613985.
Hb SS disease (SCD). Also called: Hemoglobin SS; Sickle cell anemia; Sickle cell disease; HbS disease; Hemoglobin S Disease; Sickling disorder due to hemoglobin S. Identifiers: Orphanet 232, Orphanet 275752, MedGen C0002895, MONDO:0011382, OMIM 603903.
Erythrocytosis, familial, 6. Also called: ERYTHROCYTOSIS, BETA-GLOBIN TYPE; POLYCYTHEMIA, BETA-GLOBIN TYPE. Identifiers: MedGen C4693822, MONDO:0054801, OMIM 617980.

Allele frequency attached by ClinVar (database versions not stated): 1000 Genomes Project 30x 0.00062; TOPMed 0.00008; 1000 Genomes Project 0.00060.
gnomAD v4.1: 78 of 880,026 alleles (0.0089%); highest among the groups gnomAD compares: East Asian, 0.17%; no homozygotes.

Submissions (4):

ARUP Laboratories, Molecular Genetics and Genomics, ARUP Laboratories
Classification: Uncertain significance. Last evaluated: 2025-04-09. Review status: criteria provided, single submitter. Criteria: ARUP Molecular Germline Variant Investigation Process 2024. Collection method: clinical testing. Allele origin: germline.
Comment: The HBB c.*129T>A variant (rs528009939, ClinVar Variation ID: 801181) is reported in the literature in individuals with suspected or mild hemoglobinopathies (Panyasai 2023, Peng 2021, Xinh 2022), but also in individuals with normal hematological indices (Zhao 2020). The c.*129T>A variant is absent from the Genome Aggregation Database (v2.1.1), indicating it is not a common polymorphism. This variant occurs in the 3' untranslated region and is located downstream of the functionally important polyadenylation signal sequence. Another variant at the same nucleotide, c.*129T>C, has also been reported in an individual with beta thalassemia intermedia with a pathogenic HBB variant in trans, however a second 3â€™UTR variant c.*132C>A was also found in cis to the c.*129T>C variant (Heath 2001). However, given the lack of clinical and functional data, the significance of this variant is uncertain at this time. References: Heath JA et al. A novel beta-thalassemia intermedia phenotype containing Nt494+129T-->C and NT494+132C-->A mutations in cis and a Nt168C-->T (beta(o) 39 point) mutation in trans. Am J Hematol. 2001 May;67(1):57-8. PMID: 11279660. Panyasai S et al. Effective screening of hemoglobin Constant Spring and hemoglobin Pakse with several forms of alpha- and beta-thalassemia in an area with a high prevalence and heterogeneity of thalassemia using capillary electrophoresis. Heliyon. 2023 Aug 12;9(8):e19116. PMID: 37649848. Peng Q et al. Molecular epidemiological and hematological profile of thalassemia in the Dongguan Region of Guangdong Province, Southern China. J Clin Lab Anal. 2021 Feb;35(2):e23596. PMID: 32986258. Xinh PT et al. Spectrum of HBB gene mutations among 696 beta-thalassemia patients and carriers in Southern Vietnam. Mol Biol Rep. 2022 Apr;49(4):2601-2606. PMID: 35023007. Zhao J et al. Combined use of gap-PCR and next-generation sequencing improves thalassaemia carrier screening among premarital adults in China. J Clin Pathol. 2020 Aug;73(8):488-492. PMID: 31980563.

Quest Diagnostics Nichols Institute San Juan Capistrano
Classification: Uncertain significance. Last evaluated: 2025-02-26. Review status: criteria provided, single submitter. Criteria: Quest Diagnostics criteria. Collection method: clinical testing. Allele origin: unknown.
Comment: The HBB c.*129T>A variant has been reported in the published literature in two individuals with suspected or mild beta-thalassemia (PMID: 35023007 (2022), 32986258 (2021)). Additionally, this variant has been seen with the Hb O-Indonesia variant in an individual with normal hematological indices (ITHANET). The frequency of this variant in the general population (Genome Aggregation Database) is uninformative in the assessment of its pathogenicity. Based on the available information, we are unable to determine the clinical significance of this variant.

GeneDx
Classification: Uncertain significance. Last evaluated: 2024-10-25. Review status: criteria provided, single submitter. Criteria: GeneDx Variant Classification Process June 2021. Collection method: clinical testing. Allele origin: germline. Affected: yes.
Comment: Has been reported in several studies of individuals in China, Vietnam, or Thailand undergoing evaluation for hemoglobiniopathies, including for carrier status, but detailed clinical information was generally not provided in these studies (PMID: 31980563, 32986258, 35023007, 37649848); Located in a regulatory region; in the absence of functional studies, the actual effect of this sequence change is unknown; Nucleotide is not conserved across species and the substitution has no predicted effect on splicing; No data available from control populations to assess the frequency of this variant; This variant is associated with the following publications: (PMID: 35023007, 32986258, 31980563, 37649848, He2021[paper])

Fulgent Genetics
Classification: Uncertain significance for Heinz body anemia; Hereditary persistence of fetal hemoglobin; Dominant beta-thalassemia; Hb SS disease; Malaria, susceptibility to; Beta-thalassemia HBB/LCRB; METHEMOGLOBINEMIA, BETA TYPE; Erythrocytosis, familial, 6. Last evaluated: 2024-05-20. Review status: criteria provided, single submitter. Criteria: ACMG Guidelines, 2015. Collection method: clinical testing. Allele origin: germline.

Literature cited by the submitters: PubMed 35023007 (cited by Quest Diagnostics Nichols Institute San Juan Capistrano); PubMed 31980563 (cited by Quest Diagnostics Nichols Institute San Juan Capistrano); PubMed 32986258 (cited by Quest Diagnostics Nichols Institute San Juan Capistrano).

NM_000518.5(HBB):c.*129T>A

Genes: HBB (hemoglobin subunit beta; minus strand), LOC107133510 (origin of replication at HBB; plus strand), LOC110006319 (beta-globin gene 3' regulatory region; plus strand). Cytogenetic location: 11p15.4.
Variant type: single nucleotide variant.
Coding change: c.*129T>A on transcript NM_000518.5 (MANE Select); 129 bases downstream of the stop codon, T replaced by A.
Molecular consequence: 3 prime UTR variant.
Genome position (GRCh38, 1-based): chr11:5,225,469, A>T on the plus strand (T>A on the coding strand, the complement: HBB is on the minus strand). VCF-style: chr11-5225469-A-T. GRCh37 (hg19) VCF-style: chr11-5246699-A-T.
Identifiers: ClinVar variation 801181 (VCV000801181.9), dbSNP rs528009939, ClinGen allele CA217112041.